The following is an entry in ClinVar:

NM_024675.4(PALB2):c.290dup (p.Ile98fs)

Gene: PALB2 (partner and localizer of BRCA2; minus strand). Cytogenetic location: 16p12.2.
Variant type: Duplication.
Coding change: c.290dup on transcript NM_024675.4 (MANE Select); coding-DNA position 290, one base duplicated (C; older notation c.290dupC).
Protein change: p.Ile98fs; shifts the reading frame from isoleucine 98.
Molecular consequence: frameshift variant.
Genome position (GRCh38, 1-based): chr16:23,636,256, G duplicated on the plus strand (C on the coding strand, the reverse complement: PALB2 is on the minus strand). VCF-style (leftmost placement, unchanged base first): chr16-23636255-A-AG. GRCh37 (hg19) VCF-style: chr16-23647576-A-AG.
Other names: short protein forms I98fs.
Identifiers: ClinVar variation 941863 (VCV000941863.8), dbSNP rs1967057527, ClinGen allele CA1139664627.

ClinVar aggregate classification (germline): Pathogenic (1 of 4 stars; one submission).

Conditions:
Familial cancer of breast. Also called: hereditary breast carcinoma; BREAST CANCER, FAMILIAL; Hereditary breast cancer. Identifiers: Orphanet 227535, MedGen C0346153, MONDO:0016419, OMIM 114480. Disease mechanism: loss of function.

Submission:

Labcorp Genetics (formerly Invitae), Labcorp
Classification: Pathogenic for Familial cancer of breast. Last evaluated: 2023-08-24. Review status: criteria provided, single submitter. Criteria: Invitae Variant Classification Sherloc (09022015). Collection method: clinical testing. Allele origin: germline.
Comment: For these reasons, this variant has been classified as Pathogenic. ClinVar contains an entry for this variant (Variation ID: 941863). This variant has not been reported in the literature in individuals affected with PALB2-related conditions. This variant is not present in population databases (gnomAD no frequency). This sequence change creates a premature translational stop signal (p.Ile98Tyrfs*4) in the PALB2 gene. It is expected to result in an absent or disrupted protein product. Loss-of-function variants in PALB2 are known to be pathogenic (PMID: 17200668, 17200671, 17200672, 24136930, 25099575).

Literature cited by the submitters: PubMed 17200668; PubMed 17200671; PubMed 17200672; PubMed 24136930; PubMed 25099575.